The following is an entry in ClinVar:

NM_024675.4(PALB2):c.3508C>T (p.His1170Tyr)

Gene: PALB2 (partner and localizer of BRCA2; minus strand). Cytogenetic location: 16p12.2.
Variant type: single nucleotide variant.
Coding change: c.3508C>T on transcript NM_024675.4 (MANE Select); coding-DNA position 3508, C replaced by T.
Protein change: p.His1170Tyr; replaces histidine 1170 with tyrosine.
Molecular consequence: missense variant.
Genome position (GRCh38, 1-based): chr16:23,603,512, G>A on the plus strand (C>T on the coding strand, the complement: PALB2 is on the minus strand). VCF-style: chr16-23603512-G-A. GRCh37 (hg19) VCF-style: chr16-23614833-G-A.
Other names: p.H1170Y:CAT>TAT; short protein forms H1170Y.
Identifiers: ClinVar variation 141320 (VCV000141320.94), dbSNP rs200283306, ClinGen allele CA294118.

ClinVar aggregate classification (germline): Conflicting classifications of pathogenicity. Review status: criteria provided, conflicting classifications (1 of 4 stars). 22 submissions from 22 submitters: Uncertain significance (12); Benign (1); Likely benign (7). 2 of the submissions do not count toward it. Last evaluated 2026-10-15.

Conditions:
PALB2-related disorder. Also called: PALB2-related condition; PALB2-related disorders.
Breast-ovarian cancer, familial, susceptibility to, 5 (BROVCA5). Identifiers: MedGen C5830615, MONDO:0957530, OMIM 620442.
Hereditary cancer-predisposing syndrome. Also called: Tumor predisposition; Hereditary neoplastic syndrome; Hereditary Cancer Syndrome; Neoplastic Syndromes, Hereditary. Identifiers: Orphanet 140162, MedGen C0027672, MeSH D009386, MONDO:0015356.
Hereditary breast ovarian cancer syndrome. Also called: Hereditary breast and ovarian cancer; Hereditary breast and/or ovarian cancer syndrome; BRCA1- and BRCA2-Associated Hereditary Breast and Ovarian Cancer; Hereditary breast and ovarian cancer syndrome (HBOC); Hereditary breast and ovarian cancer syndrome; Breast and ovarian cancer. Identifiers: Orphanet 145, MedGen C0677776, MeSH D061325, MONDO:0003582. Disease mechanism: loss of function.
Familial cancer of breast. Also called: Hereditary breast cancer; hereditary breast carcinoma; BREAST CANCER, FAMILIAL. Identifiers: Orphanet 227535, MedGen C0346153, MONDO:0016419, OMIM 114480. Disease mechanism: loss of function.

Allele frequency attached by ClinVar (database versions not stated): gnomAD exomes 0.00005; TOPMed 0.00005; ExAC 0.00007; gnomAD 0.00008 and 0.00009; ESP Exome Variant Server 0.00015.
gnomAD v4.1: 89 of 1,613,954 alleles (0.0055%); highest among the groups gnomAD compares: Non-Finnish European, 0.0069%; no homozygotes.

Submissions 1 to 14 of 22:

German Consortium for Hereditary Breast and Ovarian Cancer, University Hospital Cologne
Classification: Likely benign for Hereditary breast ovarian cancer syndrome. Last evaluated: 2026-10-15. Review status: criteria provided, single submitter. Criteria: ClinGen PALB2 V1.2.0. Collection method: curation. Allele origin: germline.
Comment: This classification follows the ClinGen ACMG PALB2 v1.2.0 classification scheme; We chose these criteria: BP1 (supporting benign): Missense variant in a gene for which primarily truncating variants are known to cause disease., BS1 (strong benign): gnomAD v4.1.1 Grpmax Filtering AF (genomes) = 0.0001017 (0.0102%, thus > 0.01%)

PreventionGenetics, part of Exact Sciences
Classification: Likely benign for PALB2-related condition. Last evaluated: 2026-01-09. Review status: criteria provided, single submitter. Criteria: ACMG Guidelines, 2015. Collection method: clinical testing. Allele origin: germline.
Comment: This variant is classified as likely benign based on ACMG/AMP sequence variant interpretation guidelines (Richards et al. 2015 PMID: 25741868, with internal and published modifications).

Labcorp Genetics (formerly Invitae), Labcorp
Classification: Likely benign for Familial cancer of breast. Last evaluated: 2026-01-08. Review status: criteria provided, single submitter. Criteria: Invitae Variant Classification Sherloc (09022015). Collection method: clinical testing. Allele origin: germline.

Quest Diagnostics Nichols Institute San Juan Capistrano
Classification: Uncertain significance. Last evaluated: 2025-06-10. Review status: criteria provided, single submitter. Criteria: Quest Diagnostics criteria. Collection method: clinical testing. Allele origin: unknown.
Comment: The PALB2 c.3508C>T (p.His1170Tyr) variant has been reported in the published literature in individuals affected with breast cancer (PMIDs: 33471991 (2021), see also LOVD, 29522266 (2018), 29052111 (2018)), ovarian cancer (PMIDs: 28591191 (2017), 26689913 (2015), 26315354 (2015), 24448499 (2014)), as well as reportedly unaffected individuals (PMIDs: 33471991 (2021), see also LOVD, 32658311 (2021), 32546565 (2021), 26315354 (2015), 24448499 (2014), 21618343 (2011)). Experimental studies report this variant does not affect homology directed repair, however further evidence is needed to determine the global effect of this variant on PALB2 protein activity (PMID: 31636395 (2020)). The frequency of this variant in the general population (Genome Aggregation Database) is uninformative in the assessment of its pathogenicity. Analysis of this variant using bioinformatics tools for the prediction of the effect of amino acid changes on protein structure and function yielded conflicting predictions that this variant is benign or damaging. Based on the available information, we are unable to determine the clinical significance of this variant.

CeGaT Center for Human Genetics Tuebingen
Classification: Likely benign. Last evaluated: 2025-05-01. Review status: criteria provided, single submitter. Criteria: CeGaT Center For Human Genetics Tuebingen Variant Classification Criteria Version 2. Collection method: clinical testing. Allele origin: germline. Affected: yes. Observed: 4 variant alleles.
Comment: PALB2: BP1, BP4, BS3:Supporting

Center for Genomic Medicine, Rigshospitalet, Copenhagen University Hospital
Classification: Uncertain significance. Last evaluated: 2025-03-04. Review status: criteria provided, single submitter. Criteria: ACMG Guidelines, 2015. Collection method: clinical testing. Allele origin: germline.

Blueprint Genetics
Classification: Uncertain significance. Last evaluated: 2024-11-26. Review status: criteria provided, single submitter. Criteria: ACMG Guidelines, 2015. Collection method: clinical testing. Allele origin: germline.

St. Jude Molecular Pathology, St. Jude Children's Research Hospital
Classification: Uncertain significance for Familial cancer of breast. Last evaluated: 2024-04-03. Review status: criteria provided, single submitter. Criteria: St. Jude Assertion Criteria 2020. Collection method: clinical testing. Allele origin: germline.

GeneDx
Classification: Uncertain significance. Last evaluated: 2024-02-25. Review status: criteria provided, single submitter. Criteria: GeneDx Variant Classification Process June 2021. Collection method: clinical testing. Allele origin: germline. Affected: yes.
Comment: Observed in individuals with breast or ovarian cancer and also in unaffected controls (PMID: 24448499, 26689913, 26315354, 29052111, 28591191, 33471991, 34326862, 37686625); Published functional studies suggest a neutral effect: no significant impact on HDR activity (PMID: 31636395); In silico analysis supports that this missense variant has a deleterious effect on protein structure/function; This variant is associated with the following publications: (PMID: 29052111, 24448499, 21618343, 26315354, 26689913, 28591191, 28873162, 23555315, 26206375, 31159747, 34284872, 33471991, 34326862, 37686625, 37651980, 20871615, 19609323, 24485656, 31636395)

Clinical Genetics Laboratory, Skane University Hospital Lund
Classification: Uncertain significance. Last evaluated: 2023-08-18. Review status: criteria provided, single submitter. Criteria: ACMG Guidelines, 2015. Collection method: clinical testing. Allele origin: germline. Affected: yes.

Women's Health and Genetics/Laboratory Corporation of America, LabCorp
Classification: Likely benign. Last evaluated: 2023-07-05. Review status: criteria provided, single submitter. Criteria: LabCorp Variant Classification Summary - May 2015. Collection method: clinical testing. Allele origin: germline.
Comment: Variant summary: PALB2 c.3508C>T (p.His1170Tyr) results in a conservative amino acid change located in the Partner and localiser of BRCA2, WD40 domain (IPR031920) of the encoded protein sequence. Four of five in-silico tools predict a benign effect of the variant on protein function. The variant allele was found at a frequency of 4.8e-05 in 251472 control chromosomes, predominantly at a frequency of 9.7e-05 within the Non-Finnish European subpopulation in the gnomAD database. This frequency is not significantly higher than estimated for a pathogenic variant in PALB2 causing Breast Cancer (4.8e-05 vs 0.00016), allowing no conclusion about variant significance. c.3508C>T has been reported in the literature in individuals affected with Breast and/or ovarian cancer without evidence for causality (examples: Kanchi_2014, Ramus_2015, Stafford_2017, Myszka_2018,Tsaousis_2019, Krivokucka_2022). These reports do not provide unequivocal conclusions about association of the variant with Breast Cancer. At least one functional study reports experimental evidence evaluating an impact on protein function and showed no damaging effect of this variant on homology directed repair (HDR) activity (example: Wiltshire_2019). HDR assays qualify as a recognized gold standard on the basis of updated guidance provided by the ClinGen Sequence Variant Interpretation (SVI) working group. Fifteen submitters have cited clinical-significance assessments for this variant to ClinVar after 2014 and classified the variant as VUS (n=11) and benign/likely benign (n=4). Based on the evidence outlined above, the variant was classified as likely benign.

Myriad Genetics, Inc.
Classification: Likely benign for Familial cancer of breast. Last evaluated: 2023-03-31. Review status: criteria provided, single submitter. Criteria: Myriad Autosomal Dominant, Autosomal Recessive and X-Linked Classification Criteria (2023). Collection method: clinical testing. Allele origin: unknown.
Comment: This variant is considered likely benign. This variant is strongly associated with less severe personal and family histories of cancer, typical for individuals without pathogenic variants in this gene [PMID: 25085752].

Ambry Genetics
Classification: Likely benign for Hereditary cancer-predisposing syndrome. Last evaluated: 2022-09-09. Review status: criteria provided, single submitter. Criteria: Ambry Variant Classification Scheme 2023. Collection method: clinical testing. Allele origin: germline.

Department of Pathology and Laboratory Medicine, Sinai Health System
Classification: Uncertain significance for Breast-ovarian cancer, familial, susceptibility to, 5. Last evaluated: 2022-08-05. Review status: criteria provided, single submitter. Criteria: ACMG Guidelines, 2015. Collection method: clinical testing. Allele origin: germline. Affected: yes.